The following is an entry in ClinVar:

ClinVar aggregate classification (germline): Uncertain significance. Review status: criteria provided, multiple submitters, no conflicts (2 of 4 stars). 2 submissions from 2 submitters: Uncertain significance (2). Last evaluated 2025-02-23.

Conditions:
Inborn genetic diseases. Identifiers: MedGen C0950123, MeSH D030342.

Allele frequency attached by ClinVar (database versions not stated): gnomAD exomes below 0.00001; gnomAD 0.00001; TOPMed 0.00002.
gnomAD v4.1: 2 of 1,544,960 alleles (0.00013%); highest among the groups gnomAD compares: African/African-American, 0.0028%; no homozygotes.

Submissions (2):

Ambry Genetics
Classification: Uncertain significance for Inborn genetic diseases. Last evaluated: 2025-02-23. Review status: criteria provided, single submitter. Criteria: Ambry Variant Classification Scheme 2023. Collection method: clinical testing. Allele origin: germline.

Labcorp Genetics (formerly Invitae), Labcorp
Classification: Uncertain significance. Last evaluated: 2022-03-19. Review status: criteria provided, single submitter. Criteria: Invitae Variant Classification Sherloc (09022015). Collection method: clinical testing. Allele origin: germline.
Comment: This sequence change replaces tyrosine, which is neutral and polar, with histidine, which is basic and polar, at codon 661 of the UNC80 protein (p.Tyr661His). This variant is not present in population databases (gnomAD no frequency). This variant has not been reported in the literature in individuals affected with UNC80-related conditions. Algorithms developed to predict the effect of missense changes on protein structure and function are either unavailable or do not agree on the potential impact of this missense change (SIFT: "Not Available"; PolyPhen-2: "Probably Damaging"; Align-GVGD: "Not Available"). In summary, the available evidence is currently insufficient to determine the role of this variant in disease. Therefore, it has been classified as a Variant of Uncertain Significance.

NM_001371986.1(UNC80):c.1981T>C (p.Tyr661His)

Gene: UNC80 (unc-80 homolog, NALCN channel complex subunit; plus strand). Cytogenetic location: 2q34.
Variant type: single nucleotide variant.
Coding change: c.1981T>C on transcript NM_001371986.1 (MANE Select); coding-DNA position 1981, T replaced by C.
Protein change: p.Tyr661His; replaces tyrosine 661 with histidine.
Molecular consequence: missense variant.
Genome position (GRCh38, 1-based): chr2:209,820,329, T>C. VCF-style: chr2-209820329-T-C. GRCh37 (hg19) VCF-style: chr2-210685053-T-C.
Other names: c.1981T>C, p.Tyr661His (NM_032504.2, NM_182587.4); c.1981T>C (NM_032504.1); short protein forms Y661H.
Identifiers: ClinVar variation 1505463 (VCV001505463.6), dbSNP rs2080044530, ClinGen allele CA350136181.